The following is an entry in ClinVar:

NM_017852.5(NLRP2):c.357C>T (p.Asp119=)

Gene: NLRP2 (NLR family pyrin domain containing 2; plus strand). Cytogenetic location: 19q13.42.
Variant type: single nucleotide variant.
Coding change: c.357C>T on transcript NM_017852.5 (MANE Select); coding-DNA position 357, C replaced by T.
Protein change: p.Asp119=; no amino-acid change (aspartic acid 119 retained).
Molecular consequence: synonymous variant. On other transcripts: non-coding transcript variant (1).
Genome position (GRCh38, 1-based): chr19:54,977,783, C>T. VCF-style: chr19-54977783-C-T. GRCh37 (hg19) VCF-style: chr19-55489151-C-T.
Other names: c.357C>T, p.Asp119= (NM_001174081.3, NM_001174082.3, NM_001348003.2); c.288C>T, p.Asp96= (NM_001174083.2); c.357C>T (NM_001174081.2).
Identifiers: ClinVar variation 731285 (VCV000731285.6), dbSNP rs147530574, ClinGen allele CA310097404.

ClinVar aggregate classification (germline): Likely benign. Review status: criteria provided, single submitter (1 of 4 stars). 2 submissions from 2 submitters: Likely benign (1). 1 of the submissions does not count toward it. Last evaluated 2019-12-31.

Conditions:
NLRP2-related disorder. Also called: NLRP2-related condition.

Allele frequency attached by ClinVar (database versions not stated): ExAC 0.00024; gnomAD 0.00025 and 0.00026; gnomAD exomes 0.00025 and 0.00039; TOPMed 0.00028; ESP Exome Variant Server 0.00054.
gnomAD v4.1: 591 of 1,613,818 alleles (0.037%); highest among the groups gnomAD compares: Non-Finnish European, 0.047%; 1 homozygote.

Submissions (2):

Labcorp Genetics (formerly Invitae), Labcorp
Classification: Likely benign. Last evaluated: 2019-12-31. Review status: criteria provided, single submitter. Criteria: Invitae Variant Classification Sherloc (09022015). Collection method: clinical testing. Allele origin: germline.

PreventionGenetics, part of Exact Sciences
Classification: Likely benign for NLRP2-related condition. Last evaluated: 2019-11-26. Review status: no assertion criteria provided. Collection method: clinical testing. Allele origin: germline. Not counted in ClinVar's aggregate classification.
Comment: This variant is classified as likely benign based on ACMG/AMP sequence variant interpretation guidelines (Richards et al. 2015 PMID: 25741868, with internal and published modifications).